The following is an entry in ClinVar:

ClinVar aggregate classification (germline): Benign (1 of 4 stars; one submission).

Conditions:
Arrhythmogenic right ventricular dysplasia 11. Also called: Arrhythmogenic Right Ventricular Dysplasia/Cardiomyopathy11; ARRHYTHMOGENIC RIGHT VENTRICULAR DYSPLASIA, FAMILIAL, 11; Arrhythmogenic right ventricular dysplasia 11 with mild palmoplantar keratoderma and woolly hair. Identifiers: MedGen C1864850, MONDO:0012506, OMIM 610476.

Allele frequency attached by ClinVar (database versions not stated): 1000 Genomes Project 0.01637; gnomAD 0.01554 and 0.01657; 1000 Genomes Project 30x 0.01655; TOPMed 0.01759.

Submission:

Illumina Laboratory Services, Illumina
Classification: Benign for Arrhythmogenic right ventricular dysplasia 11. Last evaluated: 2018-01-13. Review status: criteria provided, single submitter. Criteria: ICSL Variant Classification Criteria 13 December 2019. Collection method: clinical testing. Allele origin: germline.
Comment: This variant was observed in the ICSL laboratory as part of a predisposition screen in an ostensibly healthy population. It had not been previously curated by ICSL or reported in the Human Gene Mutation Database (HGMD: prior to June 1st, 2018), and was therefore a candidate for classification through an automated scoring system. Utilizing variant allele frequency, disease prevalence and penetrance estimates, and inheritance mode, an automated score was calculated to assess if this variant is too frequent to cause the disease. Based on the score and internal cut-off values, a variant classified as benign is not then subjected to further curation. The score for this variant resulted in a classification of benign for this disease.

NM_024422.6(DSC2):c.*1096T>C

Gene: DSC2 (desmocollin 2; minus strand). Cytogenetic location: 18q12.1.
Variant type: single nucleotide variant.
Coding change: c.*1096T>C on transcript NM_024422.6 (MANE Select); 1096 bases downstream of the stop codon, T replaced by C.
Molecular consequence: 3 prime UTR variant.
Genome position (GRCh38, 1-based): chr18:31,066,919, A>G on the plus strand (T>C on the coding strand, the complement: DSC2 is on the minus strand). VCF-style: chr18-31066919-A-G. GRCh37 (hg19) VCF-style: chr18-28646885-A-G.
Other names: c.*1304T>C (NM_004949.5).
Identifiers: ClinVar variation 326373 (VCV000326373.5), dbSNP rs74749519, ClinGen allele CA10650713.